The following is an entry in ClinVar:

NM_000090.4(COL3A1):c.1536A>C (p.Pro512=)

Gene: COL3A1 (collagen type III alpha 1 chain; plus strand). Cytogenetic location: 2q32.2.
Variant type: single nucleotide variant.
Coding change: c.1536A>C on transcript NM_000090.4 (MANE Select); coding-DNA position 1536, A replaced by C.
Protein change: p.Pro512=; no amino-acid change (proline 512 retained).
Molecular consequence: synonymous variant.
Genome position (GRCh38, 1-based): chr2:188,995,718, A>C. VCF-style: chr2-188995718-A-C. GRCh37 (hg19) VCF-style: chr2-189860444-A-C.
Identifiers: ClinVar variation 927076 (VCV000927076.9), dbSNP rs975159988, ClinGen allele CA62596905.

ClinVar aggregate classification (germline): Conflicting classifications of pathogenicity. Review status: criteria provided, conflicting classifications (1 of 4 stars). 5 submissions from 5 submitters: Uncertain significance (1); Likely benign (4). Last evaluated 2025-09-15.

Conditions:
Ehlers-Danlos syndrome, type 4 (EDSVASC). Also called: Ehlers-Danlos syndrome vascular type; Ehlers Danlos syndrome, ecchymotic type; Ehlers Danlos syndrome, arterial type; Ehlers Danlos syndrome, Sack-Barabas type; Ehlers-Danlos Syndrome Type IV. Identifiers: Orphanet 286, MedGen C0268338, MONDO:0017314, OMIM 130050.
Familial thoracic aortic aneurysm and aortic dissection (TAAD). Also called: Thoracic aortic aneurysms and dissections. Identifiers: Orphanet 91387, MedGen C4707243, MONDO:0019625.

Allele frequency attached by ClinVar (database versions not stated): gnomAD exomes below 0.00001.
gnomAD v4.1: 3 of 1,561,154 alleles (0.00019%); highest among the groups gnomAD compares: Non-Finnish European, 0.00026%; no homozygotes.

Submissions (5):

Labcorp Genetics (formerly Invitae), Labcorp
Classification: Likely benign for Ehlers-Danlos syndrome, type 4. Last evaluated: 2025-09-15. Review status: criteria provided, single submitter. Criteria: Invitae Variant Classification Sherloc (09022015). Collection method: clinical testing. Allele origin: germline.

Ambry Genetics
Classification: Likely benign for Familial thoracic aortic aneurysm and aortic dissection. Last evaluated: 2025-03-23. Review status: criteria provided, single submitter. Criteria: Ambry Variant Classification Scheme 2023. Collection method: clinical testing. Allele origin: germline.

Women's Health and Genetics/Laboratory Corporation of America, LabCorp
Classification: Likely benign. Last evaluated: 2024-10-06. Review status: criteria provided, single submitter. Criteria: LabCorp Variant Classification Summary - May 2015. Collection method: clinical testing. Allele origin: germline.

Color Diagnostics, LLC DBA Color Health
Classification: Likely benign for Familial thoracic aortic aneurysm and aortic dissection. Last evaluated: 2023-12-05. Review status: criteria provided, single submitter. Criteria: ACMG Guidelines, 2015. Collection method: clinical testing. Allele origin: germline.

All of Us Research Program, National Institutes of Health
Classification: Uncertain significance for Ehlers-Danlos syndrome, type 4. Last evaluated: 2023-07-10. Review status: criteria provided, single submitter. Criteria: ACMG Guidelines, 2015. Collection method: clinical testing. Allele origin: germline. Inheritance: Autosomal dominant inheritance. Observed: 1 variant allele, 1 heterozygote.
Comment: This synonymous variant does not change the amino acid sequence of the COL3A1 protein. However, computational splicing tools suggest that this variant may disrupt RNA splicing. To our knowledge, functional studies have not been reported for this variant. This variant has not been reported in individuals affected with cardiovascular disorders in the literature. This variant has not been identified in the general population by the Genome Aggregation Database (gnomAD). The available evidence is insufficient to determine the role of this variant in disease conclusively. Therefore, this variant is classified as a Variant of Uncertain Significance.

This study involves interpretation of variants in research participants for the purpose of population health screening. Participant phenotype was not available at the time of variant classification. Additional details can be found in publication PMID: 35346344, PMCID: PMC8962531